The following is an entry in ClinVar:

ClinVar aggregate classification (germline): Uncertain significance (1 of 4 stars; one submission).

Allele frequency attached by ClinVar (database versions not stated): gnomAD 0.00001; gnomAD exomes 0.00001 and 0.00002; TOPMed 0.00001; ExAC 0.00003.
gnomAD v4.1: 16 of 1,602,568 alleles (0.001%); highest among the groups gnomAD compares: Middle Eastern, 0.017%; no homozygotes.

Submission:

Labcorp Genetics (formerly Invitae), Labcorp
Classification: Uncertain significance. Last evaluated: 2024-01-02. Review status: criteria provided, single submitter. Criteria: Invitae Variant Classification Sherloc (09022015). Collection method: clinical testing. Allele origin: germline.
Comment: This sequence change replaces arginine, which is basic and polar, with cysteine, which is neutral and slightly polar, at codon 579 of the IFT81 protein (p.Arg579Cys). This variant is present in population databases (rs760804753, gnomAD 0.01%). This variant has not been reported in the literature in individuals affected with IFT81-related conditions. ClinVar contains an entry for this variant (Variation ID: 941369). Advanced modeling of protein sequence and biophysical properties (such as structural, functional, and spatial information, amino acid conservation, physicochemical variation, residue mobility, and thermodynamic stability) performed at Invitae indicates that this missense variant is not expected to disrupt IFT81 protein function with a negative predictive value of 80%. In summary, the available evidence is currently insufficient to determine the role of this variant in disease. Therefore, it has been classified as a Variant of Uncertain Significance.

NM_014055.4(IFT81):c.1735C>T (p.Arg579Cys)

Gene: IFT81 (intraflagellar transport 81; plus strand). Cytogenetic location: 12q24.11.
Variant type: single nucleotide variant.
Coding change: c.1735C>T on transcript NM_014055.4 (MANE Select); coding-DNA position 1735, C replaced by T.
Protein change: p.Arg579Cys; replaces arginine 579 with cysteine.
Molecular consequence: missense variant. On other transcripts: non-coding transcript variant (4).
Genome position (GRCh38, 1-based): chr12:110,205,613, C>T. VCF-style: chr12-110205613-C-T. GRCh37 (hg19) VCF-style: chr12-110643418-C-T.
Other names: c.1735C>T, p.Arg579Cys (NM_001143779.2); c.805C>T, p.Arg269Cys (NM_001347947.2, NM_001347948.2); short protein forms R269C, R579C.
Identifiers: ClinVar variation 941369 (VCV000941369.5), dbSNP rs760804753, ClinGen allele CA6783473.